The following is an entry in ClinVar:

ClinVar aggregate classification (germline): Likely benign (1 of 4 stars; one submission).

Allele frequency attached by ClinVar (database versions not stated): gnomAD 0.00008; gnomAD exomes 0.00013; ExAC 0.00019; ESP Exome Variant Server 0.00019.
gnomAD v4.1: 156 of 1,257,604 alleles (0.012%); highest among the groups gnomAD compares: Admixed American, 0.023%; 39 homozygotes.

Submission:

CeGaT Center for Human Genetics Tuebingen
Classification: Likely benign. Last evaluated: 2022-11-01. Review status: criteria provided, single submitter. Criteria: CeGaT Center For Human Genetics Tuebingen Variant Classification Criteria Version 2. Collection method: clinical testing. Allele origin: germline. Affected: yes. Observed: 1 variant allele.
Comment: CFHR3: PP2, BP4, BS2; ENSG00000289697: BP4, BS2

NM_021023.6(CFHR3):c.796C>T (p.His266Tyr)

Gene: CFHR3 (complement factor H related 3; plus strand). Cytogenetic location: 1q31.3.
Variant type: single nucleotide variant.
Coding change: c.796C>T on transcript NM_021023.6 (MANE Select); coding-DNA position 796, C replaced by T.
Protein change: p.His266Tyr; replaces histidine 266 with tyrosine.
Molecular consequence: missense variant.
Genome position (GRCh38, 1-based): chr1:196,790,227, C>T. VCF-style: chr1-196790227-C-T. GRCh37 (hg19) VCF-style: chr1-196759357-C-T.
Other names: c.613C>T, p.His205Tyr (NM_001166624.2); short protein forms H205Y, H266Y.
Identifiers: ClinVar variation 2639688 (VCV002639688.23), dbSNP rs376975192, ClinGen allele CA1306272.